The following is an entry in ClinVar:

NM_020822.3(KCNT1):c.2968A>G (p.Thr990Ala)

Gene: KCNT1 (potassium sodium-activated channel subfamily T member 1; plus strand). Cytogenetic location: 9q34.3.
Variant type: single nucleotide variant.
Coding change: c.2968A>G on transcript NM_020822.3 (MANE Select); coding-DNA position 2968, A replaced by G.
Protein change: p.Thr990Ala; replaces threonine 990 with alanine.
Molecular consequence: missense variant.
Genome position (GRCh38, 1-based): chr9:135,784,559, A>G. VCF-style: chr9-135784559-A-G. GRCh37 (hg19) VCF-style: chr9-138676405-A-G.
Other names: c.2833A>G, p.Thr945Ala (NM_001272003.2); short protein forms T945A, T990A.
Identifiers: ClinVar variation 1006843 (VCV001006843.9), dbSNP rs1833884066, ClinGen allele CA375517894.

ClinVar aggregate classification (germline): Uncertain significance (1 of 4 stars; one submission).

Conditions:
Autosomal dominant nocturnal frontal lobe epilepsy 5. Also called: KCNT1-Related Epilepsy; CILIARY DYSKINESIA, PRIMARY, 28, WITHOUT SITUS INVERSUS; CILIARY DYSKINESIA, PRIMARY, 28, WITH SITUS INVERSUS; Epilepsy, nocturnal frontal lobe, 5. Identifiers: Orphanet 98784, MedGen C3554306, MONDO:0014002, OMIM 615005.
Developmental and epileptic encephalopathy, 14 (DEE14). Also called: Early infantile epileptic encephalopathy 14. Identifiers: Orphanet 293181, MedGen C3554195, MONDO:0013989, OMIM 614959.

Allele frequency attached by ClinVar (database versions not stated): gnomAD exomes below 0.00001.
gnomAD v4.1: 1 of 1,462,560 alleles (0.000068%); highest among the groups gnomAD compares: Non-Finnish European, 0.000091%; no homozygotes.

Submission:

Labcorp Genetics (formerly Invitae), Labcorp
Classification: Uncertain significance for Autosomal dominant nocturnal frontal lobe epilepsy 5; Developmental and epileptic encephalopathy, 14. Last evaluated: 2024-12-02. Review status: criteria provided, single submitter. Criteria: Invitae Variant Classification Sherloc (09022015). Collection method: clinical testing. Allele origin: germline.
Comment: This sequence change replaces threonine, which is neutral and polar, with alanine, which is neutral and non-polar, at codon 990 of the KCNT1 protein (p.Thr990Ala). This variant is not present in population databases (gnomAD no frequency). This variant has not been reported in the literature in individuals affected with KCNT1-related conditions. ClinVar contains an entry for this variant (Variation ID: 1006843). Invitae Evidence Modeling of protein sequence and biophysical properties (such as structural, functional, and spatial information, amino acid conservation, physicochemical variation, residue mobility, and thermodynamic stability) indicates that this missense variant is not expected to disrupt KCNT1 protein function with a negative predictive value of 80%. In summary, the available evidence is currently insufficient to determine the role of this variant in disease. Therefore, it has been classified as a Variant of Uncertain Significance.